The following is an entry in ClinVar:

ClinVar aggregate classification (germline): Benign. Review status: criteria provided, multiple submitters, no conflicts (2 of 4 stars). 3 submissions from 3 submitters: Benign (2). 1 of the submissions does not count toward it. Last evaluated 2018-07-23.

Conditions:
NCAPD3-related disorder. Also called: NCAPD3-related condition.

Allele frequency attached by ClinVar (database versions not stated): gnomAD 0.00774; 1000 Genomes Project 0.00839; 1000 Genomes Project 30x 0.00890; TOPMed 0.00984; ESP Exome Variant Server 0.01046.
gnomAD v4.1: 2,392 of 1,614,208 alleles (0.15%); highest among the groups gnomAD compares: African/African-American, 2.9%; 32 homozygotes.

Submissions (3):

Labcorp Genetics (formerly Invitae), Labcorp
Classification: Benign. Last evaluated: 2018-07-23. Review status: criteria provided, single submitter. Criteria: Invitae Variant Classification Sherloc (09022015). Collection method: clinical testing. Allele origin: germline.

Breakthrough Genomics
Classification: Benign. Review status: criteria provided, single submitter. Criteria: ACMG Guidelines, 2015. Collection method: not provided. Allele origin: germline. Inheritance: Autosomal recessive inheritance. Affected: yes.

PreventionGenetics, part of Exact Sciences
Classification: Benign for NCAPD3-related condition. Last evaluated: 2019-05-20. Review status: no assertion criteria provided. Collection method: clinical testing. Allele origin: germline. Not counted in ClinVar's aggregate classification.
Comment: This variant is classified as benign based on ACMG/AMP sequence variant interpretation guidelines (Richards et al. 2015 PMID: 25741868, with internal and published modifications).

NM_015261.3(NCAPD3):c.1984G>A (p.Asp662Asn)

Gene: NCAPD3 (non-SMC condensin II complex subunit D3; minus strand). Cytogenetic location: 11q25.
Variant type: single nucleotide variant.
Coding change: c.1984G>A on transcript NM_015261.3 (MANE Select); coding-DNA position 1984, G replaced by A.
Protein change: p.Asp662Asn; replaces aspartic acid 662 with asparagine.
Molecular consequence: missense variant.
Genome position (GRCh38, 1-based): chr11:134,192,750, C>T on the plus strand (G>A on the coding strand, the complement: NCAPD3 is on the minus strand). VCF-style: chr11-134192750-C-T. GRCh37 (hg19) VCF-style: chr11-134062645-C-T.
Other names: c.1984G>A, p.Asp662Asn (NM_001372065.1, NM_001372068.1); c.1570G>A, p.Asp524Asn (NM_001372069.1, NM_001372070.1); short protein forms D524N, D662N.
Identifiers: ClinVar variation 712603 (VCV000712603.6), dbSNP rs35935780, ClinGen allele CA6371455.
Genomic context (GRCh38, chr11:134,192,750, plus strand): 5'-TCAGTTCCTGGCTTTCGGTGGTGAGGAGAGTAAGAAGCGCCCAGGCGAGGACCTGGCTGT[C>T]GTCCCCAGAGTGAAAATGACTGTGATGCCGGATGTTCTGCAGCAGCAGCTGGTCCAGGAA-3'
Protein context (NP_056076.1, residues 652-672): RHHSHFHSGD[Asp662Asn]SQVLAWALLT